The following is an entry in ClinVar:

NM_206926.2(SELENON):c.1071T>C (p.Pro357=)

Gene: SELENON (selenoprotein N; plus strand). Cytogenetic location: 1p36.11.
Variant type: single nucleotide variant.
Coding change: c.1071T>C on transcript NM_206926.2 (MANE Select); coding-DNA position 1071, T replaced by C.
Protein change: p.Pro357=; no amino-acid change (proline 357 retained).
Molecular consequence: synonymous variant.
Genome position (GRCh38, 1-based): chr1:25,811,771, T>C. VCF-style: chr1-25811771-T-C. GRCh37 (hg19) VCF-style: chr1-26138262-T-C.
Other names: p.Pro391=; c.1173T>C, p.Pro391= (NM_020451.3).
Identifiers: ClinVar variation 95956 (VCV000095956.35), dbSNP rs760597, ClinGen allele CA149072.
Genomic context (GRCh38, chr1:25,811,771, plus strand): 5'-CCCCTCTGTGCCCTCCGTGATCCTGGATGAGGATGGCAGCATGATCGACAGCCACCTGCC[T>C]TCAGGGGAGCCCCTGCAGTTTGTGTTTGAGGAGATCAAGTGGCAGCAGGAGCTGAGCTGG-3'
Protein context (NP_996809.1, residues 347-367): EDGSMIDSHL[Pro357=]SGEPLQFVFE

ClinVar aggregate classification (germline): Benign. Review status: criteria provided, multiple submitters, no conflicts (2 of 4 stars). 16 submissions from 16 submitters: Benign (12). 4 of the submissions do not count toward it. Last evaluated 2026-02-04.

Conditions:
SEPN1-related disorder. Also called: SEPN1-Related Disorders. Identifiers: MedGen CN239420.
Eichsfeld type congenital muscular dystrophy (CMYO3). Also called: Rigid spine muscular dystrophy 1; MYOPATHY, SEPN1-RELATED; SELENON-related myopathy; Congenital myopathy 3 with rigid spine. Identifiers: MedGen C0410180, MONDO:0100100, OMIM 602771.

Allele frequency attached by ClinVar (database versions not stated): ESP Exome Variant Server 0.73717; gnomAD 0.73933 and 0.74809; TOPMed 0.75004; 1000 Genomes Project 30x 0.78373; 1000 Genomes Project 0.79193; gnomAD exomes 0.79412 and 0.80988; ExAC 0.81325.
gnomAD v4.1: 1,258,240 of 1,592,998 alleles (79%); highest among the groups gnomAD compares: East Asian, 96%; 499,966 homozygotes.

Submissions (16):

Labcorp Genetics (formerly Invitae), Labcorp
Classification: Benign for Eichsfeld type congenital muscular dystrophy. Last evaluated: 2026-02-04. Review status: criteria provided, single submitter. Criteria: Invitae Variant Classification Sherloc (09022015). Collection method: clinical testing. Allele origin: germline.

Blueprint Genetics
Classification: Benign. Last evaluated: 2024-11-26. Review status: criteria provided, single submitter. Criteria: ACMG Guidelines, 2015. Collection method: clinical testing. Allele origin: germline.

Genome-Nilou Lab
Classification: Benign for Eichsfeld type congenital muscular dystrophy. Last evaluated: 2021-07-15. Review status: criteria provided, single submitter. Criteria: ACMG Guidelines, 2015. Collection method: clinical testing. Allele origin: germline. Affected: no.

Athena Diagnostics
Classification: Benign. Last evaluated: 2018-12-18. Review status: criteria provided, single submitter. Criteria: Athena Diagnostics Criteria. Collection method: clinical testing. Allele origin: germline.

Illumina Laboratory Services, Illumina
Classification: Benign for SEPN1-Related Disorders. Last evaluated: 2018-01-12. Review status: criteria provided, single submitter. Criteria: ICSL Variant Classification Criteria 13 December 2019. Collection method: clinical testing. Allele origin: germline.
Comment: This variant was observed in the ICSL laboratory as part of a predisposition screen in an ostensibly healthy population. It had not been previously curated by ICSL or reported in the Human Gene Mutation Database (HGMD: prior to June 1st, 2018), and was therefore a candidate for classification through an automated scoring system. Utilizing variant allele frequency, disease prevalence and penetrance estimates, and inheritance mode, an automated score was calculated to assess if this variant is too frequent to cause the disease. Based on the score and internal cut-off values, a variant classified as benign is not then subjected to further curation. The score for this variant resulted in a classification of benign for this disease.

Mayo Clinic Laboratories, Mayo Clinic
Classification: Benign. Last evaluated: 2017-07-21. Review status: criteria provided, single submitter. Criteria: ACMG Guidelines, 2015. Collection method: clinical testing. Allele origin: germline. Observed: 751 variant alleles.

GeneDx
Classification: Benign. Last evaluated: 2016-01-25. Review status: criteria provided, single submitter. Criteria: GeneDx Variant Classification (06012015). Collection method: clinical testing. Allele origin: germline. Affected: yes.
Comment: This variant is considered likely benign or benign based on one or more of the following criteria: it is a conservative change, it occurs at a poorly conserved position in the protein, it is predicted to be benign by multiple in silico algorithms, and/or has population frequency not consistent with disease.

Laboratory for Molecular Medicine, Mass General Brigham Personalized Medicine
Classification: Benign. Last evaluated: 2014-11-26. Review status: criteria provided, single submitter. Criteria: LMM Criteria. Collection method: clinical testing. Allele origin: germline. Observed: 13 variant alleles.
Comment: This is a RefSeq error. The reference base (c.1173T) is the minor allele. This a llele (T) has been identified in 21% (1788/8438) of European American chromosome s and 37% (1521/4152) of African American chromosomes by the NHLBI Exome Sequenc ing Project (dbSNP rs760597) and thus meets c riteria to be classified as benign.

Eurofins Ntd Llc (ga)
Classification: Benign. Last evaluated: 2014-07-07. Review status: criteria provided, single submitter. Criteria: EGL Classification Definitions 2015. Collection method: clinical testing. Allele origin: germline. Observed: 68 variant alleles, 25 heterozygotes, 43 homozygotes.

Genetic Services Laboratory, University of Chicago
Classification: Benign for AllHighlyPenetrant. Last evaluated: 2013-08-15. Review status: criteria provided, single submitter. Criteria: ACMG Guidelines, 2007. Collection method: clinical testing. Allele origin: germline. Inheritance: Autosomal recessive inheritance.

Breakthrough Genomics
Classification: Benign. Review status: criteria provided, single submitter. Criteria: ACMG Guidelines, 2015. Collection method: not provided. Allele origin: germline. Inheritance: Autosomal recessive inheritance. Affected: yes.

PreventionGenetics, part of Exact Sciences
Classification: Benign. Review status: criteria provided, single submitter. Criteria: ACMG Guidelines, 2015. Collection method: clinical testing. Allele origin: germline.

Clinical Genetics, Academic Medical Center
Classification: Benign. Review status: no assertion criteria provided. Collection method: clinical testing. Allele origin: germline. Affected: yes. Study: VKGL Data-share Consensus. Not counted in ClinVar's aggregate classification.

Diagnostic Laboratory, Department of Genetics, University Medical Center Groningen
Classification: Benign for Eichsfeld type congenital muscular dystrophy. Review status: no assertion criteria provided. Collection method: clinical testing. Allele origin: germline. Affected: yes. Study: VKGL Data-share Consensus. Not counted in ClinVar's aggregate classification.

Genome Diagnostics Laboratory, University Medical Center Utrecht
Classification: Benign. Review status: no assertion criteria provided. Collection method: clinical testing. Allele origin: germline. Affected: yes. Study: VKGL Data-share Consensus. Not counted in ClinVar's aggregate classification.

Joint Genome Diagnostic Labs from Nijmegen and Maastricht, Radboudumc and MUMC+
Classification: Benign. Review status: no assertion criteria provided. Collection method: clinical testing. Allele origin: germline. Affected: yes. Study: VKGL Data-share Consensus. Not counted in ClinVar's aggregate classification.